The following is an entry in ClinVar:

ClinVar aggregate classification (germline): Uncertain significance (1 of 4 stars; one submission).

Conditions:
Charcot-Marie-Tooth disease dominant intermediate B (CMTDIB). Also called: CHARCOT-MARIE-TOOTH NEUROPATHY, DOMINANT INTERMEDIATE B; Charcot-Marie-Tooth disease dominant intermediate 1; CMT DI1; Charcot-Marie-Tooth disease dominant intermediate I. Identifiers: Orphanet 100044, Orphanet 228179, MedGen C1847902, MONDO:0011674, OMIM 606482.

Submission:

Labcorp Genetics (formerly Invitae), Labcorp
Classification: Uncertain significance for Charcot-Marie-Tooth disease dominant intermediate B. Last evaluated: 2021-06-23. Review status: criteria provided, single submitter. Criteria: Invitae Variant Classification Sherloc (09022015). Collection method: clinical testing. Allele origin: germline.
Comment: This variant has not been reported in the literature in individuals with DNM2-related conditions. In summary, the available evidence is currently insufficient to determine the role of this variant in disease. Therefore, it has been classified as a Variant of Uncertain Significance. Algorithms developed to predict the effect of missense changes on protein structure and function are either unavailable or do not agree on the potential impact of this missense change (SIFT: "Deleterious"; PolyPhen-2: "Probably Damaging"; Align-GVGD: "Class C15"). This variant is not present in population databases (ExAC no frequency). This sequence change replaces aspartic acid with asparagine at codon 151 of the DNM2 protein (p.Asp151Asn). The aspartic acid residue is highly conserved and there is a small physicochemical difference between aspartic acid and asparagine.

NM_001005361.3(DNM2):c.451G>A (p.Asp151Asn)

Gene: DNM2 (dynamin 2; plus strand). Cytogenetic location: 19p13.2.
Variant type: single nucleotide variant.
Coding change: c.451G>A on transcript NM_001005361.3 (MANE Select); coding-DNA position 451, G replaced by A.
Protein change: p.Asp151Asn; replaces aspartic acid 151 with asparagine.
Molecular consequence: missense variant.
Genome position (GRCh38, 1-based): chr19:10,775,768, G>A. VCF-style: chr19-10775768-G-A. GRCh37 (hg19) VCF-style: chr19-10886444-G-A.
Other names: c.451G>A, p.Asp151Asn (NM_001005360.3, NM_001005362.3, NM_001190716.2 and 1 more transcripts); short protein forms D151N.
Identifiers: ClinVar variation 1500879 (VCV001500879.8), dbSNP rs2145924541, ClinGen allele CA404042582.